The following is an entry in ClinVar:

NM_016188.5(ACTL6B):c.1114-1G>A

Gene: ACTL6B (actin like 6B; minus strand). Cytogenetic location: 7q22.1.
Variant type: single nucleotide variant.
Coding change: c.1114-1G>A on transcript NM_016188.5 (MANE Select); the canonical splice acceptor site of the intron before coding-DNA position 1114, G replaced by A.
Molecular consequence: splice acceptor variant. On other transcripts: non-coding transcript variant (1).
Genome position (GRCh38, 1-based): chr7:100,646,336, C>T on the plus strand (G>A on the coding strand, the complement: ACTL6B is on the minus strand). VCF-style: chr7-100646336-C-T. GRCh37 (hg19) VCF-style: chr7-100243959-C-T.
Identifiers: ClinVar variation 2500134 (VCV002500134.1), dbSNP rs1562847909, ClinGen allele CA368542023.

ClinVar aggregate classification (germline): Pathogenic (0 of 4 stars; one submission).

Conditions:
Developmental and epileptic encephalopathy, 76. Also called: EPILEPTIC ENCEPHALOPATHY, EARLY INFANTILE, 76; DEVELOPMENTAL DELAY, EPILEPTIC ENCEPHALOPATHY, CEREBRAL ATROPHY, AND ABNORMAL MYELINATION. Identifiers: MedGen C5193113, MONDO:0032768, OMIM 618468.

gnomAD v4.1: 1 of 1,613,702 alleles (0.000062%); highest among the groups gnomAD compares: Non-Finnish European, 0.000085%; no homozygotes.

Submission:

Houlden Lab, UCL Institute of Neurology
Classification: Pathogenic for Developmental and epileptic encephalopathy, 76. Review status: no assertion criteria provided. Collection method: research. Allele origin: germline. Affected: yes. Observed: 1 variant allele.
Comment: This variant was identified in a compound heterozygous state with another ACTL6B variant (c.289C>T) for this condition.